The following is an entry in ClinVar:

NM_020297.4(ABCC9):c.3461G>A (p.Arg1154Gln)

Gene: ABCC9 (ATP binding cassette subfamily C member 9; minus strand). Cytogenetic location: 12p12.1.
Variant type: single nucleotide variant.
Coding change: c.3461G>A on transcript NM_020297.4 (MANE Select); coding-DNA position 3461, G replaced by A.
Protein change: p.Arg1154Gln; replaces arginine 1154 with glutamine.
Molecular consequence: missense variant.
Genome position (GRCh38, 1-based): chr12:21,842,326, C>T on the plus strand (G>A on the coding strand, the complement: ABCC9 is on the minus strand). VCF-style: chr12-21842326-C-T. GRCh37 (hg19) VCF-style: chr12-21995260-C-T.
Other names: c.3461G>A, p.Arg1154Gln (NM_001377273.1, NM_005691.4); c.2594G>A, p.Arg865Gln (NM_001377274.1); short protein forms R1154Q, R865Q.
Identifiers: ClinVar variation 31947 (VCV000031947.21), dbSNP rs387907209, ClinGen allele CA260062.
Genomic context (GRCh38, chr12:21,842,326, plus strand): 5'-TGACTGTAGATAAGCTTTTGAAAATGAGTGGGATGCTGTTTTACTTACTTAGAGGCAACC[C>T]GAAAGTATTTCTGGATAAAATAAAAGGCAACACCAAGGGGCAGGAGAGCAACCAGGAACA-3'
Protein context (NP_064693.2, residues 1144-1164): VAFYFIQKYF[Arg1154Gln]VASKDLQELD

ClinVar aggregate classification (germline): Pathogenic. Review status: criteria provided, multiple submitters, no conflicts (2 of 4 stars). 8 submissions from 8 submitters: Pathogenic (5). 3 of the submissions do not count toward it. Last evaluated 2024-10-10.

Conditions:
ABCC9-related disorder. Also called: ABCC9-related condition; ABCC9-related disorders.
Hypertrichotic osteochondrodysplasia Cantu type. Also called: Cantú Syndrome; Cantu Syndrome. Identifiers: Orphanet 1517, MedGen C0795905, MONDO:0009406, OMIM 239850.
Dilated cardiomyopathy 1O (CMD1O). Also called: CARDIOMYOPATHY, DILATED, WITH VENTRICULAR TACHYCARDIA. Identifiers: Orphanet 154, MedGen C1837839, MONDO:0012062, OMIM 608569.

Submissions (8):

Labcorp Genetics (formerly Invitae), Labcorp
Classification: Pathogenic for Dilated cardiomyopathy 1O. Last evaluated: 2024-10-10. Review status: criteria provided, single submitter. Criteria: Invitae Variant Classification Sherloc (09022015). Collection method: clinical testing. Allele origin: germline.
Comment: This sequence change replaces arginine, which is basic and polar, with glutamine, which is neutral and polar, at codon 1154 of the ABCC9 protein (p.Arg1154Gln). This variant is not present in population databases (gnomAD no frequency). This missense change has been observed in individual(s) with Cantu syndrome (PMID: 22608503, 23307537). In at least one individual the variant was observed to be de novo. ClinVar contains an entry for this variant (Variation ID: 31947). Invitae Evidence Modeling of protein sequence and biophysical properties (such as structural, functional, and spatial information, amino acid conservation, physicochemical variation, residue mobility, and thermodynamic stability) indicates that this missense variant is expected to disrupt ABCC9 protein function with a positive predictive value of 95%. Experimental studies have shown that this missense change affects ABCC9 function (PMID: 22610116). Algorithms developed to predict the effect of sequence changes on RNA splicing suggest that this variant may disrupt the consensus splice site. This variant disrupts the p.Arg1154 amino acid residue in ABCC9. Other variant(s) that disrupt this residue have been determined to be pathogenic (PMID: 22608503, 26871653). This suggests that this residue is clinically significant, and that variants that disrupt this residue are likely to be disease-causing. For these reasons, this variant has been classified as Pathogenic.

GeneDx
Classification: Pathogenic. Last evaluated: 2023-09-07. Review status: criteria provided, single submitter. Criteria: GeneDx Variant Classification Process June 2021. Collection method: clinical testing. Allele origin: germline. Affected: yes.
Comment: Published functional studies suggest a damaging effect via reduced ATP sensitivity of the potassium channel (Harakalova et al., 2012); Not observed at significant frequency in large population cohorts (gnomAD); This variant is associated with the following publications: (PMID: 23307537, 31828977, 29275331, 32622958, 32371413, 34056838, 31785789, 33529173, 22610116, 22608503)

Institute for Medical Genetics and Human Genetics, Charité - Universitätsmedizin Berlin
Classification: Pathogenic for Hypertrichotic osteochondrodysplasia Cantu type. Last evaluated: 2022-09-16. Review status: criteria provided, single submitter. Criteria: ACMG Guidelines, 2015. Collection method: clinical testing. Allele origin: germline. Inheritance: Autosomal dominant inheritance. Affected: yes. Observed: 1 heterozygote.

Institute for Genomic Medicine (IGM) Clinical Laboratory, Nationwide Children's Hospital
Classification: Pathogenic for Hypertrichotic osteochondrodysplasia Cantu type. Last evaluated: 2018-05-02. Review status: criteria provided, single submitter. Criteria: ACMG Guidelines, 2015. Collection method: clinical testing. Allele origin: germline. Affected: yes.
Comment: [ACMG/AMP: PS1, PS2, PS3, PM2, PP2, PP3] This alteration has an amino acid change previously established as pathogenic (regardless of nucleotide change) [PS1], is de novo in origin as it was not detected in the submitted parental specimens (identity confirmed) [PS2], is supported by well-established in vitro or in vivo functional studies to have a damaging effect on protein function or splicing [PS3], is absent from or rarely observed in large-scale population databases [PM2], is a missense variant in a gene in which missense variants are a common mechanism of disease [PP2], is predicted to be damaging by multiple functional prediction tools [PP3].

Rady Children's Institute for Genomic Medicine, Rady Children's Hospital San Diego
Classification: Pathogenic for ABCC9-related disorder. Review status: criteria provided, single submitter. Criteria: ACMG Guidelines, 2015. Collection method: clinical testing. Allele origin: germline. Affected: yes.
Comment: This variant has been previously reported as a heterozygous change in patients Cantu Syndrome (PMID: PMID: 22610116, 23307537, 22608503, 31828977, 32622958). The c.3461G>A (p.Arg1154Gln) variant is located in a mutational hotspot for pathogenic variations associated with Cantu Syndrome (PMID: 22608503). Different amino acid changes at the same residue (p.R1154W & p.R1154G) have been previously reported in individuals with Cantu Syndrome (PMID: 22608503, 31828977, 29275331). Experimental studies have shown that this non-synonymous change causes abnormal channel function (PMID: 22610116, 33529173). The c.3461G>A (p.Arg1154Gln) variant is absent from the gnomAD population database and thus is presumed to be rare. The c.3461G>A (p.Arg1154Gln) variant affects a highly conserved amino acid and is predicted by multiple in silico tools to have a discordant effect on protein function. Based on the available evidence, the c.3461G>A (p.Arg1154Gln) variant is classified as Pathogenic.

OMIM
Classification: Pathogenic for HYPERTRICHOTIC OSTEOCHONDRODYSPLASIA. Last evaluated: 2012-06-08. Review status: no assertion criteria provided. Collection method: literature only. Allele origin: germline. Not counted in ClinVar's aggregate classification.

Genome Diagnostics Laboratory, University Medical Center Utrecht
Classification: Pathogenic. Review status: no assertion criteria provided. Collection method: clinical testing. Allele origin: germline. Affected: yes. Study: VKGL Data-share Consensus. Not counted in ClinVar's aggregate classification.

Laboratory of Diagnostic Genome Analysis, Leiden University Medical Center (LUMC)
Classification: Pathogenic. Review status: no assertion criteria provided. Collection method: clinical testing. Allele origin: germline. Affected: yes. Study: VKGL Data-share Consensus. Not counted in ClinVar's aggregate classification.

Literature cited by the submitters: PubMed 22608503 (cited by Labcorp Genetics (formerly Invitae), Labcorp and OMIM); PubMed 23307537 (cited by Labcorp Genetics (formerly Invitae), Labcorp); PubMed 22610116 (cited by Labcorp Genetics (formerly Invitae), Labcorp and OMIM); PubMed 26871653 (cited by Labcorp Genetics (formerly Invitae), Labcorp); PubMed 16835932 (cited by OMIM); PubMed 21344641 (cited by OMIM).